The following is an entry in ClinVar:

ClinVar aggregate classification (germline): Uncertain significance. Review status: criteria provided, multiple submitters, no conflicts (2 of 4 stars). 2 submissions from 2 submitters: Uncertain significance (2). Last evaluated 2026-01-29.

Conditions:
Peroxisome biogenesis disorder 9B. Also called: PEX7-Related Refsum Disease; PEROXISOME BIOGENESIS DISORDER, PEX7-RELATED, ATYPICAL; Refsum disease, adult, 2. Identifiers: Orphanet 773, MedGen C2749346, MONDO:0013945, OMIM 614879.

Allele frequency attached by ClinVar (database versions not stated): gnomAD exomes 0.00001.

Submissions (2):

Dasa
Classification: Uncertain significance. Last evaluated: 2026-01-29. Review status: criteria provided, single submitter. Criteria: DASA Assertion Criteria. Collection method: clinical testing. Allele origin: germline.
Comment: NM_000288.4(PEX7):c.733A>G (p.Ile245Val) is a missense variant that results in the substitution of isoleucine with valine. This variant has been observed in affected individuals with PEX7-related disorders. Also, this variant is rare in population databases. Computational prediction algorithms are consistent with a benign effect. The currently available literature and clinical evidence are not sufficient to establish a definitive association between this variant and the reported condition. Therefore, this variant is classified as a variant of uncertain significance.

Labcorp Genetics (formerly Invitae), Labcorp
Classification: Uncertain significance for Peroxisome biogenesis disorder 9B. Last evaluated: 2024-01-19. Review status: criteria provided, single submitter. Criteria: Invitae Variant Classification Sherloc (09022015). Collection method: clinical testing. Allele origin: germline.
Comment: This sequence change replaces isoleucine, which is neutral and non-polar, with valine, which is neutral and non-polar, at codon 245 of the PEX7 protein (p.Ile245Val). This variant is present in population databases (rs750815894, gnomAD 0.006%). This variant has not been reported in the literature in individuals affected with PEX7-related conditions. ClinVar contains an entry for this variant (Variation ID: 1504254). Algorithms developed to predict the effect of missense changes on protein structure and function output the following: SIFT: "Not Available"; PolyPhen-2: "Benign"; Align-GVGD: "Not Available". The valine amino acid residue is found in multiple mammalian species, which suggests that this missense change does not adversely affect protein function. In summary, the available evidence is currently insufficient to determine the role of this variant in disease. Therefore, it has been classified as a Variant of Uncertain Significance.

NM_000288.4(PEX7):c.733A>G (p.Ile245Val)

Gene: PEX7 (peroxisomal biogenesis factor 7; plus strand). Cytogenetic location: 6q23.3.
Variant type: single nucleotide variant.
Coding change: c.733A>G on transcript NM_000288.4 (MANE Select); coding-DNA position 733, A replaced by G.
Protein change: p.Ile245Val; replaces isoleucine 245 with valine.
Molecular consequence: missense variant.
Genome position (GRCh38, 1-based): chr6:136,869,989, A>G. VCF-style: chr6-136869989-A-G. GRCh37 (hg19) VCF-style: chr6-137191127-A-G.
Other names: short protein forms I245V.
Identifiers: ClinVar variation 1504254 (VCV001504254.6), dbSNP rs750815894, ClinGen allele CA4017704.